The following is an entry in ClinVar:

ClinVar aggregate classification (germline): Uncertain significance (1 of 4 stars; one submission).

Allele frequency attached by ClinVar (database versions not stated): ExAC 0.00004; gnomAD exomes 0.00004; TOPMed 0.00006; ESP Exome Variant Server 0.00015.
gnomAD v4.1: 70 of 1,613,718 alleles (0.0043%); highest among the groups gnomAD compares: Non-Finnish European, 0.0058%; no homozygotes.

Submission:

CeGaT Center for Human Genetics Tuebingen
Classification: Uncertain significance. Last evaluated: 2026-03-01. Review status: criteria provided, single submitter. Criteria: CeGaT Center For Human Genetics Tuebingen Variant Classification Criteria Version 2. Collection method: clinical testing. Allele origin: germline. Affected: yes. Observed: 2 variant alleles.
Comment: PI4KA: PP2

NM_058004.4(PI4KA):c.4580A>C (p.Asn1527Thr)

Gene: PI4KA (phosphatidylinositol 4-kinase alpha; minus strand). Cytogenetic location: 22q11.21.
Variant type: single nucleotide variant.
Coding change: c.4580A>C on transcript NM_058004.4 (MANE Select); coding-DNA position 4580, A replaced by C.
Protein change: p.Asn1527Thr; replaces asparagine 1527 with threonine.
Molecular consequence: missense variant.
Genome position (GRCh38, 1-based): chr22:20,729,415, T>G on the plus strand (A>C on the coding strand, the complement: PI4KA is on the minus strand). VCF-style: chr22-20729415-T-G. GRCh37 (hg19) VCF-style: chr22-21083703-T-G.
Other names: c.4487A>C, p.Asn1496Thr (NM_001362862.2); c.4514A>C, p.Asn1505Thr (NM_001362863.2); short protein forms N1496T, N1505T, N1527T.
Identifiers: ClinVar variation 2652912 (VCV002652912.24), dbSNP rs141277380, ClinGen allele CA10115024.